The following is an entry in ClinVar:

NM_005154.5(USP8):c.1793G>T (p.Gly598Val)

Gene: USP8 (ubiquitin specific peptidase 8; plus strand). Cytogenetic location: 15q21.2.
Variant type: single nucleotide variant.
Coding change: c.1793G>T on transcript NM_005154.5 (MANE Select); coding-DNA position 1793, G replaced by T.
Protein change: p.Gly598Val; replaces glycine 598 with valine.
Molecular consequence: missense variant.
Genome position (GRCh38, 1-based): chr15:50,482,055, G>T. VCF-style: chr15-50482055-G-T. GRCh37 (hg19) VCF-style: chr15-50774252-G-T.
Other names: c.1793G>T, p.Gly598Val (NM_001128610.3); c.1562G>T, p.Gly521Val (NM_001283049.2); short protein forms G521V, G598V.
Identifiers: ClinVar variation 3634936 (VCV003634936.2).
Genomic context (GRCh38, chr15:50,482,055, plus strand): 5'-CAGAAATACAGAAAAAGTCAACAGGAGATGTGCCCCATACATCTGTGACAGGGGATTCAG[G>T]TTCAGGCAAGGTAAGCAGAAACAGTACAAATTGCCAACGAAGTGAAAGAAAATGTATATG-3'
Protein context (NP_005145.3, residues 588-608): VPHTSVTGDS[Gly598Val]SGKPFKIKGQ

ClinVar aggregate classification (germline): Uncertain significance (1 of 4 stars; one submission).

Conditions:
Hereditary spastic paraplegia. Also called: Familial spastic paraparesis. Identifiers: Orphanet 685, MedGen C0037773, MONDO:0019064. Disease mechanism: loss of function.

gnomAD v4.1: 49 of 1,499,914 alleles (0.0033%); highest among the groups gnomAD compares: Admixed American, 0.01%; no homozygotes.

Submission:

Labcorp Genetics (formerly Invitae), Labcorp
Classification: Uncertain significance for Hereditary spastic paraplegia. Last evaluated: 2024-10-01. Review status: criteria provided, single submitter. Criteria: Invitae Variant Classification Sherloc (09022015). Collection method: clinical testing. Allele origin: germline.
Comment: This sequence change replaces glycine, which is neutral and non-polar, with valine, which is neutral and non-polar, at codon 598 of the USP8 protein (p.Gly598Val). This variant is present in population databases (rs370039324, gnomAD 0.01%). This variant has not been reported in the literature in individuals affected with USP8-related conditions. An algorithm developed to predict the effect of missense changes on protein structure and function (PolyPhen-2) suggests that this variant is likely to be tolerated. In summary, the available evidence is currently insufficient to determine the role of this variant in disease. Therefore, it has been classified as a Variant of Uncertain Significance.